The following is an entry in ClinVar:

NM_005732.4(RAD50):c.833G>T (p.Arg278Leu)

Gene: RAD50 (RAD50 double strand break repair protein; plus strand). Cytogenetic location: 5q31.1.
Variant type: single nucleotide variant.
Coding change: c.833G>T on transcript NM_005732.4 (MANE Select); coding-DNA position 833, G replaced by T.
Protein change: p.Arg278Leu; replaces arginine 278 with leucine.
Molecular consequence: missense variant.
Genome position (GRCh38, 1-based): chr5:132,587,638, G>T. VCF-style: chr5-132587638-G-T. GRCh37 (hg19) VCF-style: chr5-131923330-G-T.
Other names: short protein forms R278L.
Identifiers: ClinVar variation 220537 (VCV000220537.18), dbSNP rs587782307, ClinGen allele CA350002.

ClinVar aggregate classification (germline): Uncertain significance. Review status: criteria provided, multiple submitters, no conflicts (2 of 4 stars). 4 submissions from 4 submitters: Uncertain significance (4). Last evaluated 2025-11-10.

Conditions:
Hereditary cancer-predisposing syndrome. Also called: Hereditary neoplastic syndrome; Tumor predisposition; Hereditary Cancer Syndrome; Neoplastic Syndromes, Hereditary. Identifiers: Orphanet 140162, MedGen C0027672, MeSH D009386, MONDO:0015356.
Nijmegen breakage syndrome-like disorder (NBSLD). Also called: MICROCEPHALY AND SPONTANEOUS CHROMOSOME INSTABILITY WITHOUT IMMUNODEFICIENCY; NBS-LIKE DISORDER; RAD50 DEFICIENCY. Identifiers: Orphanet 240760, MedGen C2751318, MONDO:0013118, OMIM 613078.

Allele frequency attached by ClinVar (database versions not stated): TOPMed 0.00001.
gnomAD v4.1: 6 of 1,613,768 alleles (0.00037%); highest among the groups gnomAD compares: Admixed American, 0.0017%; no homozygotes.

Submissions (4):

Labcorp Genetics (formerly Invitae), Labcorp
Classification: Uncertain significance for Hereditary cancer-predisposing syndrome. Last evaluated: 2025-11-10. Review status: criteria provided, single submitter. Criteria: Invitae Variant Classification Sherloc (09022015). Collection method: clinical testing. Allele origin: germline.
Comment: This sequence change replaces arginine, which is basic and polar, with leucine, which is neutral and non-polar, at codon 278 of the RAD50 protein (p.Arg278Leu). This variant is not present in population databases (gnomAD no frequency). This variant has not been reported in the literature in individuals affected with RAD50-related conditions. ClinVar contains an entry for this variant (Variation ID: 220537). Invitae Evidence Modeling of protein sequence and biophysical properties (such as structural, functional, and spatial information, amino acid conservation, physicochemical variation, residue mobility, and thermodynamic stability) indicates that this missense variant is not expected to disrupt RAD50 protein function with a negative predictive value of 80%. In summary, the available evidence is currently insufficient to determine the role of this variant in disease. Therefore, it has been classified as a Variant of Uncertain Significance.

Ambry Genetics
Classification: Uncertain significance for Hereditary cancer-predisposing syndrome. Last evaluated: 2025-01-04. Review status: criteria provided, single submitter. Criteria: Ambry Variant Classification Scheme 2023. Collection method: clinical testing. Allele origin: germline.
Comment: The p.R278L variant (also known as c.833G>T), located in coding exon 6 of the RAD50 gene, results from a G to T substitution at nucleotide position 833. The arginine at codon 278 is replaced by leucine, an amino acid with dissimilar properties. This amino acid position is highly conserved in available vertebrate species. In addition, the in silico prediction for this alteration is inconclusive. Since supporting evidence is limited at this time, the clinical significance of this alteration remains unclear.

Baylor Genetics
Classification: Uncertain significance for Nijmegen breakage syndrome-like disorder. Last evaluated: 2023-12-19. Review status: criteria provided, single submitter. Criteria: ACMG Guidelines, 2015. Collection method: clinical testing. Allele origin: unknown.

Institute for Clinical Genetics, University Hospital TU Dresden, University Hospital TU Dresden
Classification: Uncertain significance. Last evaluated: 2021-11-03. Review status: criteria provided, single submitter. Criteria: ACMG Guidelines, 2015. Collection method: clinical testing. Allele origin: germline.